The following is an entry in ClinVar:

NM_000057.4(BLM):c.2455C>G (p.Gln819Glu)

Gene: BLM (BLM RecQ like helicase; plus strand). Cytogenetic location: 15q26.1.
Variant type: single nucleotide variant.
Coding change: c.2455C>G on transcript NM_000057.4 (MANE Select); coding-DNA position 2455, C replaced by G.
Protein change: p.Gln819Glu; replaces glutamine 819 with glutamic acid.
Molecular consequence: missense variant.
Genome position (GRCh38, 1-based): chr15:90,769,486, C>G. VCF-style: chr15-90769486-C-G. GRCh37 (hg19) VCF-style: chr15-91312716-C-G.
Other names: c.2455C>G, p.Gln819Glu (NM_001287246.2, NM_001287247.2); c.1330C>G, p.Gln444Glu (NM_001287248.2); short protein forms Q444E, Q819E.
Identifiers: ClinVar variation 3991660 (VCV003991660.1).
Genomic context (GRCh38, chr15:90,769,486, plus strand): 5'-TTTTCCAACTAGTGGGGACATGATTTTCGTCAAGATTACAAAAGAATGAATATGCTTCGC[C>G]AGAAGTTTCCTTCTGTTCCGGTGATGGCTCTTACGGCCACAGCTAATCCCAGGGTACAGA-3'
Protein context (NP_000048.1, residues 809-829): QDYKRMNMLR[Gln819Glu]KFPSVPVMAL

ClinVar aggregate classification (germline): Uncertain significance (1 of 4 stars; one submission).

Conditions:
Hereditary cancer-predisposing syndrome. Also called: Tumor predisposition; Hereditary neoplastic syndrome; Neoplastic Syndromes, Hereditary; Hereditary Cancer Syndrome. Identifiers: Orphanet 140162, MedGen C0027672, MeSH D009386, MONDO:0015356.

Submission:

Ambry Genetics
Classification: Uncertain significance for Hereditary cancer-predisposing syndrome. Last evaluated: 2025-05-02. Review status: criteria provided, single submitter. Criteria: Ambry Variant Classification Scheme 2023. Collection method: clinical testing. Allele origin: germline.
Comment: The p.Q819E variant (also known as c.2455C>G), located in coding exon 11 of the BLM gene, results from a C to G substitution at nucleotide position 2455. The glutamine at codon 819 is replaced by glutamic acid, an amino acid with highly similar properties. This amino acid position is conserved. In addition, this alteration is predicted to be tolerated by in silico analysis. Based on the available evidence, the clinical significance of this variant remains unclear.